The following is an entry in ClinVar:

ClinVar aggregate classification (germline): Uncertain significance (1 of 4 stars; one submission).

Submission:

Labcorp Genetics (formerly Invitae), Labcorp
Classification: Uncertain significance. Last evaluated: 2024-07-19. Review status: criteria provided, single submitter. Criteria: Invitae Variant Classification Sherloc (09022015). Collection method: clinical testing. Allele origin: germline.
Comment: This sequence change replaces threonine, which is neutral and polar, with serine, which is neutral and polar, at codon 204 of the RNF43 protein (p.Thr204Ser). This variant is not present in population databases (gnomAD no frequency). This variant has not been reported in the literature in individuals affected with RNF43-related conditions. An algorithm developed to predict the effect of missense changes on protein structure and function (PolyPhen-2) suggests that this variant is likely to be disruptive. In summary, the available evidence is currently insufficient to determine the role of this variant in disease. Therefore, it has been classified as a Variant of Uncertain Significance.

NM_017763.6(RNF43):c.610A>T (p.Thr204Ser)

Gene: RNF43 (ring finger protein 43; minus strand). Cytogenetic location: 17q22.
Variant type: single nucleotide variant.
Coding change: c.610A>T on transcript NM_017763.6 (MANE Select); coding-DNA position 610, A replaced by T.
Protein change: p.Thr204Ser; replaces threonine 204 with serine.
Molecular consequence: missense variant.
Genome position (GRCh38, 1-based): chr17:58,362,621, T>A on the plus strand (A>T on the coding strand, the complement: RNF43 is on the minus strand). VCF-style: chr17-58362621-T-A. GRCh37 (hg19) VCF-style: chr17-56439982-T-A.
Other names: c.610A>T, p.Thr204Ser (NM_001305544.3); c.229A>T, p.Thr77Ser (NM_001305545.2); short protein forms T204S, T77S.
Identifiers: ClinVar variation 3716239 (VCV003716239.2).
Genomic context (GRCh38, chr17:58,362,621, plus strand): 5'-GGCGGCACCGGATGCGCAGCACCGAAGCCAGGATGATCACAAAGATGGTGCCCACCACTG[T>A]CATTAGGATCCACACATCATAATCTGGCTGGGGAGTGAGCAGAGAGGGAAAGGGTCATAC-3'
Protein context (NP_060233.3, residues 194-214): WPDYDVWILM[Thr204Ser]VVGTIFVIIL